The following is an entry in ClinVar:

ClinVar aggregate classification (germline): Conflicting classifications of pathogenicity. Review status: criteria provided, conflicting classifications (1 of 4 stars). 2 submissions from 2 submitters: Uncertain significance (1); Likely benign (1). Last evaluated 2024-10-29.

Conditions:
Developmental and epileptic encephalopathy, 34 (DEE34). Also called: Early infantile epileptic encephalopathy 34; SLC12A5-Related Epilepsy of Infancy with Migrating Focal Seizures. Identifiers: Orphanet 293181, MedGen C4225257, MONDO:0014718, OMIM 616645.

Allele frequency attached by ClinVar (database versions not stated): TOPMed below 0.00001; ExAC 0.00001; gnomAD 0.00001; gnomAD exomes 0.00002.
gnomAD v4.1: 13 of 1,614,080 alleles (0.00081%); highest among the groups gnomAD compares: Admixed American, 0.0083%; no homozygotes.

Submissions (2):

Labcorp Genetics (formerly Invitae), Labcorp
Classification: Uncertain significance for Developmental and epileptic encephalopathy, 34. Last evaluated: 2024-10-29. Review status: criteria provided, single submitter. Criteria: Invitae Variant Classification Sherloc (09022015). Collection method: clinical testing. Allele origin: germline.
Comment: This sequence change falls in intron 11 of the SLC12A5 gene. It does not directly change the encoded amino acid sequence of the SLC12A5 protein. It affects a nucleotide within the consensus splice site. This variant is present in population databases (rs760459724, gnomAD 0.003%). This variant has not been reported in the literature in individuals affected with SLC12A5-related conditions. ClinVar contains an entry for this variant (Variation ID: 640703). Variants that disrupt the consensus splice site are a relatively common cause of aberrant splicing (PMID: 17576681, 9536098). Algorithms developed to predict the effect of sequence changes on RNA splicing suggest that this variant is not likely to affect RNA splicing. In summary, the available evidence is currently insufficient to determine the role of this variant in disease. Therefore, it has been classified as a Variant of Uncertain Significance.

CeGaT Center for Human Genetics Tuebingen
Classification: Likely benign. Last evaluated: 2024-03-01. Review status: criteria provided, single submitter. Criteria: CeGaT Center For Human Genetics Tuebingen Variant Classification Criteria Version 2. Collection method: clinical testing. Allele origin: germline. Affected: yes. Observed: 1 variant allele.
Comment: SLC12A5: BP4

Literature cited by the submitters: PubMed 17576681 (cited by Labcorp Genetics (formerly Invitae), Labcorp); PubMed 9536098 (cited by Labcorp Genetics (formerly Invitae), Labcorp).

NM_020708.5(SLC12A5):c.1395-3C>T

Gene: SLC12A5 (solute carrier family 12 member 5; plus strand). Cytogenetic location: 20q13.12.
Variant type: single nucleotide variant.
Coding change: c.1395-3C>T on transcript NM_020708.5 (MANE Select); 3 bases into the intron before coding-DNA position 1395, C replaced by T.
Molecular consequence: intron variant.
Genome position (GRCh38, 1-based): chr20:46,044,963, C>T. VCF-style: chr20-46044963-C-T. GRCh37 (hg19) VCF-style: chr20-44673602-C-T.
Other names: c.1464-3C>T (NM_001134771.2).
Identifiers: ClinVar variation 640703 (VCV000640703.32), dbSNP rs760459724, ClinGen allele CA9887345.